The following is an entry in ClinVar:

NM_170606.3(KMT2C):c.12755C>T (p.Ala4252Val)

Gene: KMT2C (lysine methyltransferase 2C; minus strand). Cytogenetic location: 7q36.1.
Variant type: single nucleotide variant.
Coding change: c.12755C>T on transcript NM_170606.3 (MANE Select); coding-DNA position 12755, C replaced by T.
Protein change: p.Ala4252Val; replaces alanine 4252 with valine.
Molecular consequence: missense variant.
Genome position (GRCh38, 1-based): chr7:152,150,919, G>A on the plus strand (C>T on the coding strand, the complement: KMT2C is on the minus strand). VCF-style: chr7-152150919-G-A. GRCh37 (hg19) VCF-style: chr7-151848004-G-A.
Other names: NC_000007.13:g.151848004G>A; c.12755C>T (NM_170606.2); short protein forms A4252V.
Identifiers: ClinVar variation 134812 (VCV000134812.4), dbSNP rs537579296, ClinGen allele CA160793.

ClinVar aggregate classification (germline): Likely benign. Review status: no assertion criteria provided (0 of 4 stars). 2 submissions from 2 submitters: Likely benign (1). 1 of the submissions does not count toward it. Last evaluated 2023-07-22.

Conditions:
KMT2C-related disorder. Also called: KMT2C-related disorders; KMT2C-related condition.

Allele frequency attached by ClinVar (database versions not stated): gnomAD 0.00004; TOPMed 0.00004; ExAC 0.00028; 1000 Genomes Project 30x 0.00047; 1000 Genomes Project 0.00060.
gnomAD v4.1: 237 of 1,609,964 alleles (0.015%); highest among the groups gnomAD compares: South Asian, 0.17%; 3 homozygotes.

Submissions (4):

PreventionGenetics, part of Exact Sciences
Classification: Likely benign for KMT2C-related condition. Last evaluated: 2023-07-22. Review status: no assertion criteria provided. Collection method: clinical testing. Allele origin: germline.
Comment: This variant is classified as likely benign based on ACMG/AMP sequence variant interpretation guidelines (Richards et al. 2015 PMID: 25741868, with internal and published modifications).

ITMI
No classification provided. Condition: AllHighlyPenetrant. Last evaluated: 2013-09-19. Review status: no classification provided. Collection method: reference population. Allele origin: germline. Not counted in ClinVar's aggregate classification.
Comment: Please see associated publication for description of ethnicities

Dr. Peter K. Rogan Lab, Western University
No classification provided (evidence only). Condition: Familial cancer of breast. Review status: no classification provided. Collection method: in vitro. Allele origin: not applicable. Functional consequence: retained intron. Not counted in ClinVar's aggregate classification.

Dr. Peter K. Rogan Lab, Western University
No classification provided (evidence only). Condition: Cervical cancer. Review status: no classification provided. Collection method: in vitro. Allele origin: not applicable. Functional consequence: retained intron. Not counted in ClinVar's aggregate classification.

Literature cited by the submitters: PubMed 24728327 (cited by ITMI).